The following is an entry in ClinVar:

ClinVar aggregate classification (germline): Likely benign (1 of 4 stars; one submission).

Submission:

CeGaT Center for Human Genetics Tuebingen
Classification: Likely benign. Last evaluated: 2025-07-01. Review status: criteria provided, single submitter. Criteria: CeGaT Center For Human Genetics Tuebingen Variant Classification Criteria Version 2. Collection method: clinical testing. Allele origin: germline. Affected: yes. Observed: 1 variant allele.
Comment: MUC4: PM2:Supporting, BP4, BP7

NM_018406.7(MUC4):c.5475T>A (p.Leu1825=)

Gene: MUC4 (mucin 4, cell surface associated). Cytogenetic location: 3q29.
Variant type: single nucleotide variant.
Coding change: c.5475T>A on transcript NM_018406.7 (MANE Select); coding-DNA position 5475, T replaced by A.
Protein change: p.Leu1825=; no amino-acid change (leucine 1825 retained).
Molecular consequence: synonymous variant. On other transcripts: intron variant (2).
Genome position (GRCh38, 1-based): chr3:195,786,105, A>T on the plus strand (T>A on the coding strand, the complement: MUC4 is on the minus strand). VCF-style: chr3-195786105-A-T. GRCh37 (hg19) VCF-style: chr3-195512976-A-T.
Other names: c.83-11800T>A (NM_138297.5); c.83-7650T>A (NM_004532.6).
Identifiers: ClinVar variation 4084026 (VCV004084026.8).